The following is an entry in ClinVar:

NM_006554.5(MTX2):c.254T>C (p.Leu85Pro)

Gene: MTX2 (metaxin 2; plus strand). Cytogenetic location: 2q31.1.
Variant type: single nucleotide variant.
Coding change: c.254T>C on transcript NM_006554.5 (MANE Select); coding-DNA position 254, T replaced by C.
Protein change: p.Leu85Pro; replaces leucine 85 with proline.
Molecular consequence: missense variant.
Genome position (GRCh38, 1-based): chr2:176,326,870, T>C. VCF-style: chr2-176326870-T-C. GRCh37 (hg19) VCF-style: chr2-177191598-T-C.
Other names: c.224T>C, p.Leu75Pro (NM_001006635.3); c.254T>C, p.Leu85Pro (NM_001319097.2, NM_001319098.2); short protein forms L75P, L85P.
Identifiers: ClinVar variation 4981140 (VCV004981140.1).

ClinVar aggregate classification (germline): Likely benign (1 of 4 stars; one submission).

Conditions:
MTX2-related condition.

gnomAD v4.1: 62 of 1,576,726 alleles (0.0039%); highest among the groups gnomAD compares: East Asian, 0.13%; no homozygotes.

Submission:

PreventionGenetics, part of Exact Sciences
Classification: Likely benign for MTX2-related condition. Last evaluated: 2025-11-01. Review status: criteria provided, single submitter. Criteria: ACMG Guidelines, 2015. Collection method: clinical testing. Allele origin: germline.
Comment: This variant is classified as likely benign based on ACMG/AMP sequence variant interpretation guidelines (Richards et al. 2015 PMID: 25741868, with internal and published modifications).